The following is an entry in ClinVar:

ClinVar aggregate classification (germline): Likely benign. Review status: criteria provided, multiple submitters, no conflicts (2 of 4 stars). 5 submissions from 4 submitters: Likely benign (5). Last evaluated 2024-07-25.

Conditions:
Retinitis pigmentosa 39 (RP39). Identifiers: Orphanet 791, MedGen C3151138, MONDO:0013436, OMIM 613809.
Usher syndrome type 2A. Also called: RETINAL DISEASE IN USHER SYNDROME TYPE IIA, MODIFIER OF; USHER SYNDROME, TYPE IIA. Identifiers: Orphanet 231178, Orphanet 886, MedGen C1848634, MONDO:0010169, OMIM 276901.

Allele frequency attached by ClinVar (database versions not stated): ExAC 0.00002; gnomAD 0.00002; gnomAD exomes 0.00002 and 0.00001; TOPMed 0.00002; ESP Exome Variant Server 0.00008.
gnomAD v4.1: 18 of 1,613,570 alleles (0.0011%); highest among the groups gnomAD compares: Non-Finnish European, 0.0013%; no homozygotes.

Submissions (5):

Blueprint Genetics
Classification: Likely benign. Last evaluated: 2024-07-25. Review status: criteria provided, single submitter. Criteria: ACMG Guidelines, 2015. Collection method: clinical testing. Allele origin: germline.

Labcorp Genetics (formerly Invitae), Labcorp
Classification: Likely benign. Last evaluated: 2023-12-09. Review status: criteria provided, single submitter. Criteria: Invitae Variant Classification Sherloc (09022015). Collection method: clinical testing. Allele origin: germline.

Genome-Nilou Lab
Classification: Likely benign for Retinitis pigmentosa 39. Last evaluated: 2023-11-04. Review status: criteria provided, single submitter. Criteria: ACMG Guidelines, 2015. Collection method: clinical testing. Allele origin: germline. Affected: no.

Genome-Nilou Lab
Classification: Likely benign for Usher syndrome type 2A. Last evaluated: 2023-11-04. Review status: criteria provided, single submitter. Criteria: ACMG Guidelines, 2015. Collection method: clinical testing. Allele origin: germline. Affected: no.

GeneDx
Classification: Likely benign. Last evaluated: 2017-09-25. Review status: criteria provided, single submitter. Criteria: GeneDx Variant Classification (06012015). Collection method: clinical testing. Allele origin: germline. Affected: yes.
Comment: This variant is considered likely benign or benign based on one or more of the following criteria: it is a conservative change, it occurs at a poorly conserved position in the protein, it is predicted to be benign by multiple in silico algorithms, and/or has population frequency not consistent with disease.

NM_206933.4(USH2A):c.5538G>C (p.Leu1846=)

Genes: USH2A (usherin; minus strand), USH2A-AS2 (USH2A antisense RNA 2; plus strand). Cytogenetic location: 1q41.
Variant type: single nucleotide variant.
Coding change: c.5538G>C on transcript NM_206933.4 (MANE Select); coding-DNA position 5538, G replaced by C.
Protein change: p.Leu1846=; no amino-acid change (leucine 1846 retained).
Molecular consequence: synonymous variant.
Genome position (GRCh38, 1-based): chr1:216,078,123, C>G on the plus strand (G>C on the coding strand, the complement: USH2A is on the minus strand). VCF-style: chr1-216078123-C-G. GRCh37 (hg19) VCF-style: chr1-216251465-C-G.
Identifiers: ClinVar variation 512058 (VCV000512058.11), dbSNP rs370356689, ClinGen allele CA1395431.